The following is an entry in ClinVar:

NM_024496.4(IRF2BPL):c.129C>T (p.Gly43=)

Genes: IRF2BPL (interferon regulatory factor 2 binding protein like; minus strand), LOC107984638 (uncharacterized LOC107984638; plus strand). Cytogenetic location: 14q24.3.
Variant type: single nucleotide variant.
Coding change: c.129C>T on transcript NM_024496.4 (MANE Select); coding-DNA position 129, C replaced by T.
Protein change: p.Gly43=; no amino-acid change (glycine 43 retained).
Molecular consequence: synonymous variant. On other transcripts: non-coding transcript variant (3).
Genome position (GRCh38, 1-based): chr14:77,027,664, G>A on the plus strand (C>T on the coding strand, the complement: IRF2BPL is on the minus strand). VCF-style: chr14-77027664-G-A. GRCh37 (hg19) VCF-style: chr14-77494007-G-A.
Identifiers: ClinVar variation 4872489 (VCV004872489.2).

ClinVar aggregate classification (germline): Likely benign (1 of 4 stars; one submission).

gnomAD v4.1: 29 of 1,611,660 alleles (0.0018%); highest among the groups gnomAD compares: South Asian, 0.014%; no homozygotes.

Submission:

CeGaT Center for Human Genetics Tuebingen
Classification: Likely benign. Last evaluated: 2026-06-01. Review status: criteria provided, single submitter. Criteria: CeGaT Center For Human Genetics Tuebingen Variant Classification Criteria Version 2. Collection method: clinical testing. Allele origin: germline. Affected: yes. Observed: 1 variant allele.
Comment: IRF2BPL: BP4, BP7